The following is an entry in ClinVar:

ClinVar aggregate classification (germline): Likely benign. Review status: criteria provided, single submitter (1 of 4 stars). 2 submissions from 2 submitters: Likely benign (1). 1 of the submissions does not count toward it. Last evaluated 2026-01-26.

Conditions:
CLDN19-related disorder. Also called: CLDN19-related condition.

Allele frequency attached by ClinVar (database versions not stated): gnomAD 0.00006; gnomAD exomes 0.00007; TOPMed 0.00011; ExAC 0.00024.
gnomAD v4.1: 106 of 1,603,534 alleles (0.0066%); highest among the groups gnomAD compares: Admixed American, 0.07%; no homozygotes.

Submissions (2):

Labcorp Genetics (formerly Invitae), Labcorp
Classification: Likely benign. Last evaluated: 2026-01-26. Review status: criteria provided, single submitter. Criteria: Invitae Variant Classification Sherloc (09022015). Collection method: clinical testing. Allele origin: germline.

PreventionGenetics, part of Exact Sciences
Classification: Likely benign for CLDN19-related condition. Last evaluated: 2019-08-29. Review status: no assertion criteria provided. Collection method: clinical testing. Allele origin: germline. Not counted in ClinVar's aggregate classification.
Comment: This variant is classified as likely benign based on ACMG/AMP sequence variant interpretation guidelines (Richards et al. 2015 PMID: 25741868, with internal and published modifications).

NM_148960.3(CLDN19):c.105C>T (p.Tyr35=)

Gene: CLDN19 (claudin 19; minus strand). Cytogenetic location: 1p34.2.
Variant type: single nucleotide variant.
Coding change: c.105C>T on transcript NM_148960.3 (MANE Select); coding-DNA position 105, C replaced by T.
Protein change: p.Tyr35=; no amino-acid change (tyrosine 35 retained).
Molecular consequence: synonymous variant.
Genome position (GRCh38, 1-based): chr1:42,739,959, G>A on the plus strand (C>T on the coding strand, the complement: CLDN19 is on the minus strand). VCF-style: chr1-42739959-G-A. GRCh37 (hg19) VCF-style: chr1-43205630-G-A.
Other names: c.105C>T (NM_148960.2); c.105C>T, p.Tyr35= (NM_001123395.2, NM_001185117.2).
Identifiers: ClinVar variation 2197666 (VCV002197666.6), dbSNP rs760544476, ClinGen allele CA801476.